The following is an entry in ClinVar:

NM_018136.5(ASPM):c.1671_1672del (p.Ser557fs)

Gene: ASPM (assembly factor for spindle microtubules; minus strand). Cytogenetic location: 1q31.3.
Variant type: Deletion.
Coding change: c.1671_1672del on transcript NM_018136.5 (MANE Select); coding-DNA positions 1671 to 1672, 2 bases deleted (TT; older notation c.1671_1672delTT).
Protein change: p.Ser557fs; shifts the reading frame from serine 557.
Molecular consequence: frameshift variant.
Genome position (GRCh38, 1-based): chr1:197,142,580-197,142,581, AA deleted on the plus strand (TT on the coding strand, the reverse complement: ASPM is on the minus strand). VCF-style (leftmost placement, unchanged base first): chr1-197142579-TAA-T. GRCh37 (hg19) VCF-style: chr1-197111709-TAA-T.
Other names: c.1671_1672del, p.Ser557fs (NM_001206846.2); short protein forms S557fs.
Identifiers: ClinVar variation 157783 (VCV000157783.11), dbSNP rs587783220, ClinGen allele CA271005.

ClinVar aggregate classification (germline): Pathogenic. Review status: criteria provided, multiple submitters, no conflicts (2 of 4 stars). 5 submissions from 5 submitters: Pathogenic (5). Last evaluated 2026-02-17.

Conditions:
Microcephaly 5, primary, autosomal recessive (MCPH5). Also called: ASPM Primary Microcephaly. Identifiers: Orphanet 2512, MedGen C1837501, MONDO:0012106, OMIM 608716.

Allele frequency attached by ClinVar (database versions not stated): TOPMed below 0.00001; ExAC 0.00002; gnomAD exomes 0.00002; ESP Exome Variant Server 0.00008.

Submissions (5):

GeneDx
Classification: Pathogenic. Last evaluated: 2026-02-17. Review status: criteria provided, single submitter. Criteria: GeneDx Variant Classification Process June 2021. Collection method: clinical testing. Allele origin: germline.
Comment: Frameshift variant predicted to result in protein truncation or nonsense mediated decay in a gene for which loss of function is a known mechanism of disease; Not observed at significant frequency in large population cohorts (gnomAD); Has not been previously published as pathogenic or benign to our knowledge

Labcorp Genetics (formerly Invitae), Labcorp
Classification: Pathogenic. Last evaluated: 2024-10-02. Review status: criteria provided, single submitter. Criteria: Invitae Variant Classification Sherloc (09022015). Collection method: clinical testing. Allele origin: germline.
Comment: This sequence change creates a premature translational stop signal (p.Ser557Argfs*2) in the ASPM gene. It is expected to result in an absent or disrupted protein product. Loss-of-function variants in ASPM are known to be pathogenic (PMID: 19028728, 23611254). This variant is present in population databases (rs587783220, gnomAD 0.009%). This variant has not been reported in the literature in individuals affected with ASPM-related conditions. ClinVar contains an entry for this variant (Variation ID: 157783). For these reasons, this variant has been classified as Pathogenic.

Genome-Nilou Lab
Classification: Pathogenic for Microcephaly 5, primary, autosomal recessive. Last evaluated: 2023-04-11. Review status: criteria provided, single submitter. Criteria: ACMG Guidelines, 2015. Collection method: clinical testing. Allele origin: germline. Affected: no.

Rady Children's Institute for Genomic Medicine, Rady Children's Hospital San Diego
Classification: Pathogenic for MICROCEPHALY 5, PRIMARY, AUTOSOMAL RECESSIVE. Last evaluated: 2019-11-08. Review status: criteria provided, single submitter. Criteria: ACMG Guidelines, 2015. Collection method: clinical testing. Allele origin: germline. Affected: yes.
Comment: This frameshifting variant in exon 3 of 28 introduces a premature stop codon and is therefore predicted to result in loss of normal protein function. This variant has not been previously reported or functionally characterized in the literature to our knowledge. It is present in the heterozygous state in the gnomAD population database at a frequency of 0.0024% (6/250,828) and thus is presumed to be rare. Based on the available evidence, the c.1671_1672del (p.Ser557ArgfsTer2) variant is classified as Pathogenic.

Genetic Services Laboratory, University of Chicago
Classification: Pathogenic for Microcephaly 5, primary, autosomal recessive. Last evaluated: 2013-11-12. Review status: criteria provided, single submitter. Criteria: ACMG Guidelines, 2007. Collection method: clinical testing. Allele origin: germline. Inheritance: Autosomal recessive inheritance. Affected: yes.

Literature cited by the submitters: PubMed 19028728 (cited by Labcorp Genetics (formerly Invitae), Labcorp); PubMed 23611254 (cited by Labcorp Genetics (formerly Invitae), Labcorp).